The following is an entry in ClinVar:

ClinVar aggregate classification (germline): Likely pathogenic (1 of 4 stars; one submission).

Conditions:
Deficiency of alpha-mannosidase (MANSA). Also called: Alpha-Mannosidosis; Mannosidosis, alpha-, types I and II; LYSOSOMAL ALPHA-D-MANNOSIDASE DEFICIENCY. Identifiers: Orphanet 61, MedGen C0024748, MONDO:0009561, OMIM 248500.

Submission:

Natera, Inc.
Classification: Likely pathogenic for Alpha-mannosidosis. Last evaluated: 2024-11-27. Review status: criteria provided, single submitter. Criteria: Natera Variant Classification Schema (03/2026). Collection method: clinical testing. Allele origin: germline.
Comment: The c.308del variant in MAN2B1 is a frameshift variant predicted to shift the reading frame beginning at codon 103 and leads to a stop codon 54 codons downstream. This variant is expected to result in nonsense mediated decay, truncation, or a dysfunctional protein product. This variant is rare in the general population with a frequency below the threshold expected for the associated phenotype(s). Given the available evidence, this variant is classified as Likely Pathogenic.

NM_000528.4(MAN2B1):c.308del (p.Ser103fs)

Gene: MAN2B1 (mannosidase alpha class 2B member 1; minus strand). Cytogenetic location: 19p13.13.
Variant type: Deletion.
Coding change: c.308del on transcript NM_000528.4 (MANE Select); coding-DNA position 308, one base deleted (C; older notation c.308delC).
Protein change: p.Ser103fs; shifts the reading frame from serine 103.
Molecular consequence: frameshift variant.
Genome position (GRCh38, 1-based): chr19:12,665,480, G deleted on the plus strand (C on the coding strand, the reverse complement: MAN2B1 is on the minus strand). VCF-style (leftmost placement, unchanged base first): chr19-12665479-CG-C. GRCh37 (hg19) VCF-style: chr19-12776293-CG-C.
Other names: c.308del, p.Ser103fs (NM_001173498.2, NM_001440570.1); short protein forms S103fs.
Identifiers: ClinVar variation 4814317 (VCV004814317.1).